The following is an entry in ClinVar:

ClinVar aggregate classification (germline): Conflicting classifications of pathogenicity. Review status: criteria provided, conflicting classifications (1 of 4 stars). 6 submissions from 6 submitters: Uncertain significance (5); Likely benign (1). Last evaluated 2024-02-22.

Conditions:
BRCA2-related cancer predisposition. Identifiers: MedGen CN377758, MONDO:0700269.
Hereditary cancer-predisposing syndrome. Also called: Neoplastic Syndromes, Hereditary; Tumor predisposition; Hereditary Cancer Syndrome; Hereditary neoplastic syndrome. Identifiers: Orphanet 140162, MedGen C0027672, MeSH D009386, MONDO:0015356.
Hereditary breast ovarian cancer syndrome. Also called: Breast and ovarian cancer; Hereditary breast and ovarian cancer; Hereditary breast and/or ovarian cancer syndrome; BRCA1- and BRCA2-Associated Hereditary Breast and Ovarian Cancer; Hereditary breast and ovarian cancer syndrome; Hereditary breast and ovarian cancer syndrome (HBOC). Identifiers: Orphanet 145, MedGen C0677776, MeSH D061325, MONDO:0003582. Disease mechanism: loss of function.

Submissions (6):

All of Us Research Program, National Institutes of Health
Classification: Uncertain significance for BRCA2-related cancer predisposition. Last evaluated: 2024-02-22. Review status: criteria provided, single submitter. Criteria: ACMG Guidelines, 2015. Collection method: clinical testing. Allele origin: germline. Inheritance: Autosomal dominant inheritance. Observed: 1 variant allele, 1 heterozygote.
Comment: This missense variant replaces lysine with asparagine at codon 3327 of the BRCA2 protein. Computational prediction suggests that this variant may not impact protein structure and function (internally defined REVEL score threshold <= 0.5, PMID: 27666373). To our knowledge, functional studies have not been reported for this variant. This variant has been reported in individuals with a personal or family history of breast or ovarian cancer (PMID: 35912641). This variant has not been identified in the general population by the Genome Aggregation Database (gnomAD). The available evidence is insufficient to determine the role of this variant in disease conclusively. Therefore, this variant is classified as a Variant of Uncertain Significance.

This study involves interpretation of variants in research participants for the purpose of population health screening. Participant phenotype was not available at the time of variant classification. Additional details can be found in publication PMID: 35346344, PMCID: PMC8962531

Color Diagnostics, LLC DBA Color Health
Classification: Uncertain significance for Hereditary cancer-predisposing syndrome. Last evaluated: 2024-02-01. Review status: criteria provided, single submitter. Criteria: ACMG Guidelines, 2015. Collection method: clinical testing. Allele origin: germline.
Comment: This missense variant replaces lysine with asparagine at codon 3327 of the BRCA2 protein. Computational prediction suggests that this variant may not impact protein structure and function (internally defined REVEL score threshold <= 0.5, PMID: 27666373). To our knowledge, functional studies have not been reported for this variant. This variant has been reported in individuals with a personal or family history of breast or ovarian cancer (PMID: 35912641). This variant has not been identified in the general population by the Genome Aggregation Database (gnomAD). The available evidence is insufficient to determine the role of this variant in disease conclusively. Therefore, this variant is classified as a Variant of Uncertain Significance.

Ambry Genetics
Classification: Uncertain significance for Hereditary cancer-predisposing syndrome. Last evaluated: 2023-12-14. Review status: criteria provided, single submitter. Criteria: Ambry Variant Classification Scheme 2023. Collection method: clinical testing. Allele origin: germline.
Comment: The p.K3327N variant (also known as c.9981A>T), located in coding exon 26 of the BRCA2 gene, results from an A to T substitution at nucleotide position 9981. The lysine at codon 3327 is replaced by asparagine, an amino acid with similar properties. This amino acid position is not well conserved in available vertebrate species. In addition, this alteration is predicted to be tolerated by in silico analysis. Since supporting evidence is limited at this time, the clinical significance of this alteration remains unclear.

Women's Health and Genetics/Laboratory Corporation of America, LabCorp
Classification: Uncertain significance. Last evaluated: 2022-01-27. Review status: criteria provided, single submitter. Criteria: LabCorp Variant Classification Summary - May 2015. Collection method: clinical testing. Allele origin: germline.

Labcorp Genetics (formerly Invitae), Labcorp
Classification: Uncertain significance for Hereditary breast ovarian cancer syndrome. Last evaluated: 2021-08-31. Review status: criteria provided, single submitter. Criteria: Invitae Variant Classification Sherloc (09022015). Collection method: clinical testing. Allele origin: germline.
Comment: This sequence change replaces lysine with asparagine at codon 3327 of the BRCA2 protein (p.Lys3327Asn). The lysine residue is moderately conserved and there is a moderate physicochemical difference between lysine and asparagine. This variant is not present in population databases (ExAC no frequency). This variant has not been reported in the literature in individuals affected with BRCA2-related conditions. ClinVar contains an entry for this variant (Variation ID: 141904). Advanced modeling of protein sequence and biophysical properties (such as structural, functional, and spatial information, amino acid conservation, physicochemical variation, residue mobility, and thermodynamic stability) performed at Invitae indicates that this missense variant is not expected to disrupt BRCA2 protein function. In summary, the available evidence is currently insufficient to determine the role of this variant in disease. Therefore, it has been classified as a Variant of Uncertain Significance.

GeneDx
Classification: Likely benign. Last evaluated: 2015-10-12. Review status: criteria provided, single submitter. Criteria: GeneDx Variant Classification (06012015). Collection method: clinical testing. Allele origin: germline. Affected: yes.
Comment: This variant is considered likely benign or benign based on one or more of the following criteria: it is a conservative change, it occurs at a poorly conserved position in the protein, it is predicted to be benign by multiple in silico algorithms, and/or has population frequency not consistent with disease.

Literature cited by the submitters: PubMed 35912641 (cited by All of Us Research Program, National Institutes of Health and Color Diagnostics, LLC DBA Color Health).

NM_000059.4(BRCA2):c.9981A>T (p.Lys3327Asn)

Gene: BRCA2 (BRCA2 DNA repair associated; plus strand). Cytogenetic location: 13q13.1.
Variant type: single nucleotide variant.
Coding change: c.9981A>T on transcript NM_000059.4 (MANE Select); coding-DNA position 9981, A replaced by T.
Protein change: p.Lys3327Asn; replaces lysine 3327 with asparagine.
Molecular consequence: missense variant.
Genome position (GRCh38, 1-based): chr13:32,398,494, A>T. VCF-style: chr13-32398494-A-T. GRCh37 (hg19) VCF-style: chr13-32972631-A-T.
Other names: short protein forms K3327N.
Identifiers: ClinVar variation 141904 (VCV000141904.20), dbSNP rs587782098, ClinGen allele CA026351.